The following is an entry in ClinVar:

ClinVar aggregate classification (germline): Uncertain significance. Review status: criteria provided, multiple submitters, no conflicts (2 of 4 stars). 3 submissions from 3 submitters: Uncertain significance (3). Last evaluated 2024-09-03.

Conditions:
Episodic kinesigenic dyskinesia (EKD). Also called: Paroxysmal kinesigenic dyskinesia. Identifiers: Orphanet 98809, MedGen C1868682, MONDO:0044202.

Allele frequency attached by ClinVar (database versions not stated): gnomAD 0.00001; gnomAD exomes 0.00001 and 0.00002; TOPMed 0.00001; ExAC 0.00003.

Submissions (3):

Labcorp Genetics (formerly Invitae), Labcorp
Classification: Uncertain significance for Episodic kinesigenic dyskinesia. Last evaluated: 2024-09-03. Review status: criteria provided, single submitter. Criteria: Invitae Variant Classification Sherloc (09022015). Collection method: clinical testing. Allele origin: germline.
Comment: This sequence change replaces arginine, which is basic and polar, with cysteine, which is neutral and slightly polar, at codon 245 of the PRRT2 protein (p.Arg245Cys). This variant is present in population databases (rs746832889, gnomAD 0.01%). This variant has not been reported in the literature in individuals affected with PRRT2-related conditions. ClinVar contains an entry for this variant (Variation ID: 1690520). Invitae Evidence Modeling of protein sequence and biophysical properties (such as structural, functional, and spatial information, amino acid conservation, physicochemical variation, residue mobility, and thermodynamic stability) indicates that this missense variant is not expected to disrupt PRRT2 protein function with a negative predictive value of 95%. In summary, the available evidence is currently insufficient to determine the role of this variant in disease. Therefore, it has been classified as a Variant of Uncertain Significance.

Blueprint Genetics
Classification: Uncertain significance. Last evaluated: 2021-02-26. Review status: criteria provided, single submitter. Criteria: ACMG Guidelines, 2015. Collection method: clinical testing. Allele origin: germline.

Laboratorio de Genetica e Diagnostico Molecular, Hospital Israelita Albert Einstein
Classification: Uncertain significance. Last evaluated: 2021-02-19. Review status: criteria provided, single submitter. Criteria: ACMG Guidelines, 2015. Collection method: clinical testing. Allele origin: germline. Affected: yes.
Comment: ACMG classification criteria: PM2

NM_145239.3(PRRT2):c.733C>T (p.Arg245Cys)

Genes: MVP-DT (MVP divergent transcript; minus strand), PRRT2 (proline rich transmembrane protein 2; plus strand). Cytogenetic location: 16p11.2.
Variant type: single nucleotide variant.
Coding change: c.733C>T on transcript NM_145239.3 (MANE Select); coding-DNA position 733, C replaced by T.
Protein change: p.Arg245Cys; replaces arginine 245 with cysteine.
Molecular consequence: missense variant.
Genome position (GRCh38, 1-based): chr16:29,813,787, C>T. VCF-style: chr16-29813787-C-T. GRCh37 (hg19) VCF-style: chr16-29825108-C-T.
Other names: c.733C>T, p.Arg245Cys (NM_001256442.2, NM_001256443.2); short protein forms R245C.
Identifiers: ClinVar variation 1690520 (VCV001690520.5), dbSNP rs746832889, ClinGen allele CA7994577.